The following is an entry in ClinVar:

NM_139058.3(ARX):c.306GGC[9] (p.Ala115del)

Genes: ARX (aristaless related homeobox; minus strand), LOC109610631 (aristaless related homeobox polyalanine expansion region; plus strand). Cytogenetic location: Xp21.3.
Variant type: Microsatellite.
Coding change: c.306GGC[9] on transcript NM_139058.3 (MANE Select); nine copies in a row of the 3-base unit GGC starting at c.306; the reference has ten copies in a row; one copy, 3 bases deleted; also written c.333_335del.
Protein change: p.Ala115del; deletes alanine 115.
Molecular consequence: inframe deletion.
Genome position (GRCh38, 1-based): chrX:25,013,660-25,013,662, GCC deleted on the plus strand (GGC on the coding strand, the reverse complement: ARX is on the minus strand); deleting any 3 consecutive bases within chrX:25,013,660-25,013,691 gives the same sequence; the position shown is the placement nearest the transcript's 3' end. VCF-style (leftmost placement, unchanged base first): chrX-25013659-TGCC-T. GRCh37 (hg19) VCF-style: chrX-25031776-TGCC-T.
Other names: c.333_335del (NM_139058.3, NM_139058.2); short protein forms A115del.
Identifiers: ClinVar variation 416368 (VCV000416368.23), dbSNP rs387906492, ClinGen allele CA16616470.

ClinVar aggregate classification (germline): Benign/Likely benign. Review status: criteria provided, multiple submitters, no conflicts (2 of 4 stars). 5 submissions from 5 submitters: Benign (1); Likely benign (3). 1 of the submissions does not count toward it. Last evaluated 2026-02-02.

Conditions:
ARX-related disorder. Also called: ARX-Related Disorders; ARX-related condition. Identifiers: MedGen CN378769.
Inborn genetic diseases. Identifiers: MedGen C0950123, MeSH D030342.
Intellectual disability, X-linked, with or without seizures, ARX-related. Also called: MENTAL RETARDATION, X-LINKED 29; MENTAL RETARDATION, X-LINKED 32; MENTAL RETARDATION, X-LINKED 33; MENTAL RETARDATION, X-LINKED 38; MENTAL RETARDATION, X-LINKED 43; MENTAL RETARDATION, X-LINKED 76. Identifiers: Orphanet 777, MedGen C0796244, MONDO:0010317, OMIM 300419.
Developmental and epileptic encephalopathy, 1 (DEE1). Also called: Epileptic encephalopathy, early infantile, 1; X-linked infantile spasms; West's syndrome; Tonic spasms with clustering, arrest of psychomotor development and hypsarrhythmia on EEG; X-Linked Infantile Spasm Syndrome; INFANTILE SPASM SYNDROME, X-LINKED 1. Identifiers: MedGen C3463992, MONDO:0010632, OMIM 308350. Disease mechanism: loss of function.

Submissions (5):

Labcorp Genetics (formerly Invitae), Labcorp
Classification: Benign for Developmental and epileptic encephalopathy, 1; Intellectual disability, X-linked, with or without seizures, ARX-related. Last evaluated: 2026-02-02. Review status: criteria provided, single submitter. Criteria: Invitae Variant Classification Sherloc (09022015). Collection method: clinical testing. Allele origin: germline.

GeneDx
Classification: Likely benign. Last evaluated: 2024-11-18. Review status: criteria provided, single submitter. Criteria: GeneDx Variant Classification Process June 2021. Collection method: clinical testing. Allele origin: germline. Affected: yes.
Comment: See Variant Classification Assertion Criteria.

Ambry Genetics
Classification: Likely benign for Inborn genetic diseases. Last evaluated: 2022-03-17. Review status: criteria provided, single submitter. Criteria: Ambry Variant Classification Scheme 2023. Collection method: clinical testing. Allele origin: germline.

Genetic Services Laboratory, University of Chicago
Classification: Likely benign. Last evaluated: 2021-12-13. Review status: criteria provided, single submitter. Criteria: ACMG Guidelines, 2015. Collection method: clinical testing. Allele origin: germline. Affected: no.

PreventionGenetics, part of Exact Sciences
Classification: Likely benign for ARX-related condition. Last evaluated: 2022-05-10. Review status: no assertion criteria provided. Collection method: clinical testing. Allele origin: germline. Not counted in ClinVar's aggregate classification.
Comment: This variant is classified as likely benign based on ACMG/AMP sequence variant interpretation guidelines (Richards et al. 2015 PMID: 25741868, with internal and published modifications).